The following is an entry in ClinVar:

ClinVar aggregate classification (germline): Uncertain significance (1 of 4 stars; one submission).

Conditions:
TTN-related disorder. Also called: TTN-related disorders; TTN-related condition; TTN-related disease.

Allele frequency attached by ClinVar (database versions not stated): TOPMed 0.00001; gnomAD 0.00002.
gnomAD v4.1: 8 of 1,585,688 alleles (0.0005%); highest among the groups gnomAD compares: Non-Finnish European, 0.00068%; no homozygotes.

Submission:

PreventionGenetics, part of Exact Sciences
Classification: Uncertain significance for TTN-related condition. Last evaluated: 2026-06-17. Review status: criteria provided, single submitter. Criteria: ACMG Guidelines, 2015. Collection method: clinical testing. Allele origin: germline.
Comment: The TTN c.35554G>A variant is predicted to result in the amino acid substitution p.Ala11852Thr. To our knowledge, this variant has not been reported in the literature. This variant is reported in 0.0025% of alleles in individuals of European (Non-Finnish) descent in gnomAD. At this time, the clinical significance of this variant is uncertain due to the absence of conclusive functional and genetic evidence.

NM_001267550.2(TTN):c.35554G>A (p.Ala11852Thr)

Gene: TTN (titin; minus strand). Cytogenetic location: 2q31.2.
Variant type: single nucleotide variant.
Coding change: c.35554G>A on transcript NM_001267550.2 (MANE Select); coding-DNA position 35554, G replaced by A.
Protein change: p.Ala11852Thr; replaces alanine 11852 with threonine.
Molecular consequence: missense variant. On other transcripts: intron variant (5).
Genome position (GRCh38, 1-based): chr2:178,667,713, C>T on the plus strand (G>A on the coding strand, the complement: TTN is on the minus strand). VCF-style: chr2-178667713-C-T. GRCh37 (hg19) VCF-style: chr2-179532440-C-T.
Other names: c.13283-25396G>A (NM_003319.4); c.13859-25396G>A (NM_133437.4); c.13658-25396G>A (NM_133432.3); c.31483+2505G>A (NM_133378.4); c.34264+2505G>A (NM_001256850.1); short protein forms A11852T.
Identifiers: ClinVar variation 4984985 (VCV004984985.1), dbSNP rs1350016572.